The following is an entry in ClinVar:

NM_000238.4(KCNH2):c.169G>C (p.Ala57Pro)

Gene: KCNH2 (potassium voltage-gated channel subfamily H member 2; minus strand). Cytogenetic location: 7q36.1.
Variant type: single nucleotide variant.
Coding change: c.169G>C on transcript NM_000238.4 (MANE Select); coding-DNA position 169, G replaced by C.
Protein change: p.Ala57Pro; replaces alanine 57 with proline.
Molecular consequence: missense variant.
Genome position (GRCh38, 1-based): chr7:150,974,849, C>G on the plus strand (G>C on the coding strand, the complement: KCNH2 is on the minus strand). VCF-style: chr7-150974849-C-G. GRCh37 (hg19) VCF-style: chr7-150671937-C-G.
Other names: c.169G>C (LRG_288t1); c.-9G>C (NM_001406755.1); c.169G>C, p.Ala57Pro (NM_172056.3); short protein forms A57P.
Identifiers: ClinVar variation 67240 (VCV000067240.8), dbSNP rs199472846, ClinGen allele CA005160.

ClinVar aggregate classification (germline): Uncertain significance. Review status: criteria provided, single submitter (1 of 4 stars). 2 submissions from 2 submitters: Uncertain significance (1). 1 of the submissions does not count toward it. Last evaluated 2019-07-22.

Conditions:
Familial long QT syndrome (RWS). Also called: Congenital long QT syndrome; Romano-Ward syndrome; VENTRICULAR FIBRILLATION WITH PROLONGED QT INTERVAL. Identifiers: Orphanet 768, MedGen C1141890, MONDO:0019171.
Long QT syndrome (LQTS). Identifiers: MedGen C0023976, MeSH D008133, MONDO:0002442. Disease mechanism: loss of function. Inheritance: Various modes of inheritance.

Submissions (2):

Labcorp Genetics (formerly Invitae), Labcorp
Classification: Uncertain significance for Long QT syndrome. Last evaluated: 2019-07-22. Review status: criteria provided, single submitter. Criteria: Invitae Variant Classification Sherloc (09022015). Collection method: clinical testing. Allele origin: germline.
Comment: This variant is not present in population databases (ExAC no frequency). In summary, the available evidence is currently insufficient to determine the role of this variant in disease. Therefore, it has been classified as a Variant of Uncertain Significance. This variant has been reported to affect KCNH2 protein function (PMID: 29725305). This variant has been observed in an individual referred for long QT genetic testing (PMID: 19716085). ClinVar contains an entry for this variant (Variation ID: 67240). This sequence change replaces alanine with proline at codon 57 of the KCNH2 protein (p.Ala57Pro). The alanine residue is weakly conserved and there is a small physicochemical difference between alanine and proline.

Cardiovascular Biomedical Research Unit, Royal Brompton & Harefield NHS Foundation Trust
No classification provided. Condition: Familial long QT syndrome. Review status: no classification provided. Collection method: literature only. Allele origin: germline. Not counted in ClinVar's aggregate classification.
Comment: This variant has been reported as associated with Long QT syndrome in the following publications (PMID:19716085). This is a literature report, and does not necessarily reflect the clinical interpretation of the Imperial College / Royal Brompton Cardiovascular Genetics laboratory.

Literature cited by the submitters: PubMed 29725305 (cited by Labcorp Genetics (formerly Invitae), Labcorp); PubMed 19716085 (cited by Labcorp Genetics (formerly Invitae), Labcorp and Cardiovascular Biomedical Research Unit, Royal Brompton & Harefield NHS Foundation Trust); PubMed 22581653 (cited by Cardiovascular Biomedical Research Unit, Royal Brompton & Harefield NHS Foundation Trust).